The following is an entry in ClinVar:

ClinVar aggregate classification (germline): Benign (0 of 4 stars; one submission).

Conditions:
PRRC2A-related disorder. Also called: PRRC2A-related condition.

Allele frequency attached by ClinVar (database versions not stated): 1000 Genomes Project 30x 0.00390; ExAC 0.00796.

Submission:

PreventionGenetics, part of Exact Sciences
Classification: Benign for PRRC2A-related condition. Last evaluated: 2019-05-01. Review status: no assertion criteria provided. Collection method: clinical testing. Allele origin: germline.
Comment: This variant is classified as benign based on ACMG/AMP sequence variant interpretation guidelines (Richards et al. 2015 PMID: 25741868, with internal and published modifications).

NM_004638.4(PRRC2A):c.2088A>C (p.Pro696=)

Gene: PRRC2A (proline rich coiled-coil 2A; plus strand). Cytogenetic location: 6p21.33.
Variant type: single nucleotide variant.
Coding change: c.2088A>C on transcript NM_004638.4 (MANE Select); coding-DNA position 2088, A replaced by C.
Protein change: p.Pro696=; no amino-acid change (proline 696 retained).
Molecular consequence: synonymous variant.
Genome position (GRCh38, 1-based): chr6:31,629,679, A>C. VCF-style: chr6-31629679-A-C. GRCh37 (hg19) VCF-style: chr6-31597456-A-C.
Other names: c.2088A>C, p.Pro696= (NM_080686.3).
Identifiers: ClinVar variation 3056056 (VCV003056056.2), dbSNP rs777041015, ClinGen allele CA3715559.